The following is an entry in ClinVar:

ClinVar aggregate classification (germline): Uncertain significance. Review status: criteria provided, multiple submitters, no conflicts (2 of 4 stars). 2 submissions from 2 submitters: Uncertain significance (2). Last evaluated 2023-06-28.

Conditions:
Distal myopathy with posterior leg and anterior hand involvement. Also called: WILLIAMS DISTAL MYOPATHY. Identifiers: Orphanet 63273, MedGen C3279722, MONDO:0013550, OMIM 614065.
Myofibrillar myopathy 5. Also called: FILAMINOPATHY, AUTOSOMAL DOMINANT; Filaminopathy (type). Identifiers: Orphanet 171445, MedGen C1836050, MONDO:0012289, OMIM 609524.
Hypertrophic cardiomyopathy 26. Also called: Cardiomyopathy, familial hypertrophic, 26. Identifiers: Orphanet 75249, MedGen C4310749, MONDO:0014883, OMIM 617047.

Allele frequency attached by ClinVar (database versions not stated): TOPMed below 0.00001; gnomAD 0.00001.
gnomAD v4.1: 1 of 1,613,990 alleles (0.000062%); highest among the groups gnomAD compares: Non-Finnish European, 0.000085%; no homozygotes.

Submissions (2):

GeneDx
Classification: Uncertain significance. Last evaluated: 2023-06-28. Review status: criteria provided, single submitter. Criteria: GeneDx Variant Classification Process June 2021. Collection method: clinical testing. Allele origin: germline. Affected: yes.
Comment: Not observed at significant frequency in large population cohorts (gnomAD); In silico analysis supports that this missense variant has a deleterious effect on protein structure/function; Has not been previously published as pathogenic or benign to our knowledge

Labcorp Genetics (formerly Invitae), Labcorp
Classification: Uncertain significance for Distal myopathy with posterior leg and anterior hand involvement; Myofibrillar myopathy 5; Hypertrophic cardiomyopathy 26. Last evaluated: 2021-06-07. Review status: criteria provided, single submitter. Criteria: Invitae Variant Classification Sherloc (09022015). Collection method: clinical testing. Allele origin: germline.
Comment: This sequence change replaces asparagine with aspartic acid at codon 244 of the FLNC protein (p.Asn244Asp). The asparagine residue is moderately conserved and there is a small physicochemical difference between asparagine and aspartic acid. This variant is not present in population databases (ExAC no frequency). This variant has not been reported in the literature in individuals with FLNC-related conditions. Algorithms developed to predict the effect of missense changes on protein structure and function (SIFT, PolyPhen-2, Align-GVGD) all suggest that this variant is likely to be tolerated, but these predictions have not been confirmed by published functional studies and their clinical significance is uncertain. In summary, the available evidence is currently insufficient to determine the role of this variant in disease. Therefore, it has been classified as a Variant of Uncertain Significance.

NM_001458.5(FLNC):c.730A>G (p.Asn244Asp)

Gene: FLNC (filamin C; plus strand). Cytogenetic location: 7q32.1.
Variant type: single nucleotide variant.
Coding change: c.730A>G on transcript NM_001458.5 (MANE Select); coding-DNA position 730, A replaced by G.
Protein change: p.Asn244Asp; replaces asparagine 244 with aspartic acid.
Molecular consequence: missense variant.
Genome position (GRCh38, 1-based): chr7:128,837,428, A>G. VCF-style: chr7-128837428-A-G. GRCh37 (hg19) VCF-style: chr7-128477482-A-G.
Other names: c.730A>G, p.Asn244Asp (NM_001127487.2); c.730A>G (NM_001458.4); short protein forms N244D.
Identifiers: ClinVar variation 1399893 (VCV001399893.9), dbSNP rs1020489966, ClinGen allele CA166214311.
Genomic context (GRCh38, chr7:128,837,428, plus strand): 5'-GCCATGTGACATCACTCCTTTCCATCGCAGGTCATTGCCCCTGAGGAGATTGTGGACCCC[A>G]ACGTGGATGAGCATTCTGTTATGACCTACCTGTCCCAGTTCCCCAAGGCCAAGCTCAAAC-3'
Protein context (NP_001449.3, residues 234-254): VIAPEEIVDP[Asn244Asp]VDEHSVMTYL